The following is an entry in ClinVar:

NM_003482.4(KMT2D):c.12811_12814del (p.Thr4271fs)

Gene: KMT2D (lysine methyltransferase 2D; minus strand). Cytogenetic location: 12q13.12.
Variant type: Microsatellite.
Coding change: c.12811_12814del on transcript NM_003482.4 (MANE Select); coding-DNA positions 12811 to 12814, 4 bases deleted (ACAG; older notation c.12811_12814delACAG).
Protein change: p.Thr4271fs; shifts the reading frame from threonine 4271.
Molecular consequence: frameshift variant.
Genome position (GRCh38, 1-based): chr12:49,031,891-49,031,894, CTGT deleted on the plus strand (ACAG on the coding strand, the reverse complement: KMT2D is on the minus strand); deleting any 4 consecutive bases within chr12:49,031,891-49,031,898 gives the same sequence; the c. name uses the placement nearest the transcript's 3' end. VCF-style (leftmost placement, unchanged base first): chr12-49031890-CCTGT-C. GRCh37 (hg19) VCF-style: chr12-49425673-CCTGT-C.
Other names: c.12811_12814delACAG (NM_003482.3); short protein forms T4271fs.
Identifiers: ClinVar variation 649491 (VCV000649491.14), dbSNP rs1592116886, ClinGen allele CA915948283.

ClinVar aggregate classification (germline): Pathogenic. Review status: criteria provided, multiple submitters, no conflicts (2 of 4 stars). 2 submissions from 2 submitters: Pathogenic (2). Last evaluated 2025-10-01.

Conditions:
Kabuki syndrome. Also called: Kabuki make-up syndrome; NIIKAWA-KUROKI SYNDROME. Identifiers: Orphanet 2322, MedGen C0796004, MONDO:0016512.

Submissions (2):

CeGaT Center for Human Genetics Tuebingen
Classification: Pathogenic. Last evaluated: 2025-10-01. Review status: criteria provided, single submitter. Criteria: CeGaT Center For Human Genetics Tuebingen Variant Classification Criteria Version 2. Collection method: clinical testing. Allele origin: germline. Affected: yes. Observed: 1 variant allele.
Comment: KMT2D: PVS1, PM2, PS2:Supporting, PS4:Supporting

Labcorp Genetics (formerly Invitae), Labcorp
Classification: Pathogenic for Kabuki syndrome. Last evaluated: 2018-10-04. Review status: criteria provided, single submitter. Criteria: Invitae Variant Classification Sherloc (09022015). Collection method: clinical testing. Allele origin: germline.
Comment: This variant is not present in population databases (ExAC no frequency). For these reasons, this variant has been classified as Pathogenic. Loss-of-function variants in KMT2D are known to be pathogenic (PMID: 22126750). This variant has been observed in an individual affected with Kabuki syndrome (PMID: 27302555). This sequence change creates a premature translational stop signal (p.Thr4271Alafs*6) in the KMT2D gene. It is expected to result in an absent or disrupted protein product.

Literature cited by the submitters: PubMed 22126750 (cited by Labcorp Genetics (formerly Invitae), Labcorp); PubMed 27302555 (cited by Labcorp Genetics (formerly Invitae), Labcorp).